The following is an entry in ClinVar:

ClinVar aggregate classification (germline): Uncertain significance. Review status: criteria provided, single submitter (1 of 4 stars). 2 submissions from 2 submitters: Uncertain significance (1). 1 of the submissions does not count toward it. Last evaluated 2022-03-18.

Conditions:
Joubert syndrome. Also called: CEREBELLOPARENCHYMAL DISORDER IV; JOUBERT-BOLTSHAUSER SYNDROME; Familial aplasia of the vermis. Identifiers: Orphanet 475, MedGen C5979921, MONDO:0018772.
Meckel-Gruber syndrome. Also called: DYSENCEPHALIA SPLANCHNOCYSTICA; GRUBER SYNDROME; Dysencephalia splachnocystica. Identifiers: Orphanet 564, MedGen C0265215, MONDO:0018921.
Meckel syndrome, type 1 (MKS1). Also called: MECKEL-GRUBER SYNDROME, TYPE 1. Identifiers: Orphanet 564, MedGen C3714506, MONDO:0009571, OMIM 249000.

Allele frequency attached by ClinVar (database versions not stated): gnomAD exomes below 0.00001.

Submissions (2):

Labcorp Genetics (formerly Invitae), Labcorp
Classification: Uncertain significance for Joubert syndrome; Meckel-Gruber syndrome. Last evaluated: 2022-03-18. Review status: criteria provided, single submitter. Criteria: Invitae Variant Classification Sherloc (09022015). Collection method: clinical testing. Allele origin: germline.
Comment: This sequence change replaces alanine, which is neutral and non-polar, with valine, which is neutral and non-polar, at codon 422 of the MKS1 protein (p.Ala422Val). This variant is not present in population databases (gnomAD no frequency). This variant has not been reported in the literature in individuals affected with MKS1-related conditions. Advanced modeling of protein sequence and biophysical properties (such as structural, functional, and spatial information, amino acid conservation, physicochemical variation, residue mobility, and thermodynamic stability) performed at Invitae indicates that this missense variant is not expected to disrupt MKS1 protein function. In summary, the available evidence is currently insufficient to determine the role of this variant in disease. Therefore, it has been classified as a Variant of Uncertain Significance.

Natera, Inc.
Classification: Uncertain significance for Meckel syndrome type 1. Last evaluated: 2025-04-09. Review status: no assertion criteria provided. Collection method: clinical testing. Allele origin: germline. Not counted in ClinVar's aggregate classification.

NM_017777.4(MKS1):c.1265C>T (p.Ala422Val)

Gene: MKS1 (MKS transition zone complex subunit 1; minus strand). Cytogenetic location: 17q22.
Variant type: single nucleotide variant.
Coding change: c.1265C>T on transcript NM_017777.4 (MANE Select); coding-DNA position 1265, C replaced by T.
Protein change: p.Ala422Val; replaces alanine 422 with valine.
Molecular consequence: missense variant.
Genome position (GRCh38, 1-based): chr17:58,207,902, G>A on the plus strand (C>T on the coding strand, the complement: MKS1 is on the minus strand). VCF-style: chr17-58207902-G-A. GRCh37 (hg19) VCF-style: chr17-56285263-G-A.
Other names: c.656C>T, p.Ala219Val (NM_001321268.2); c.1265C>T, p.Ala422Val (NM_001321269.2, NM_001330397.2, NM_001411113.1); short protein forms A422V, A219V.
Identifiers: ClinVar variation 2110057 (VCV002110057.2), dbSNP rs2509411253, ClinGen allele CA400325389.